The following is an entry in ClinVar:

NM_002103.5(GYS1):c.1634C>T (p.Pro545Leu)

Genes: GYS1 (glycogen synthase 1; minus strand), LOC119369037 (CRISPRi-FlowFISH-validated FTL regulatory element 4; plus strand). Cytogenetic location: 19q13.33.
Variant type: single nucleotide variant.
Coding change: c.1634C>T on transcript NM_002103.5 (MANE Select); coding-DNA position 1634, C replaced by T.
Protein change: p.Pro545Leu; replaces proline 545 with leucine.
Molecular consequence: missense variant. On other transcripts: non-coding transcript variant (1).
Genome position (GRCh38, 1-based): chr19:48,970,939, G>A on the plus strand (C>T on the coding strand, the complement: GYS1 is on the minus strand). VCF-style: chr19-48970939-G-A. GRCh37 (hg19) VCF-style: chr19-49474196-G-A.
Other names: c.1442C>T, p.Pro481Leu (NM_001161587.2); short protein forms P545L, P481L.
Identifiers: ClinVar variation 2169543 (VCV002169543.1), dbSNP rs1314889558, ClinGen allele CA406760506.

ClinVar aggregate classification (germline): Uncertain significance (1 of 4 stars; one submission).

Conditions:
Glycogen storage disease due to muscle and heart glycogen synthase deficiency. Also called: MUSCLE GLYCOGEN SYNTHASE DEFICIENCY; GSD 0b. Identifiers: Orphanet 137625, MedGen C1969054, MONDO:0012693, OMIM 611556.

Allele frequency attached by ClinVar (database versions not stated): TOPMed 0.00001.
gnomAD v4.1: 3 of 1,612,200 alleles (0.00019%); highest among the groups gnomAD compares: Admixed American, 0.0017%; no homozygotes.

Submission:

Labcorp Genetics (formerly Invitae), Labcorp
Classification: Uncertain significance for Glycogen storage disease due to muscle and heart glycogen synthase deficiency. Last evaluated: 2022-05-18. Review status: criteria provided, single submitter. Criteria: Invitae Variant Classification Sherloc (09022015). Collection method: clinical testing. Allele origin: germline.
Comment: This sequence change replaces proline, which is neutral and non-polar, with leucine, which is neutral and non-polar, at codon 545 of the GYS1 protein (p.Pro545Leu). This variant is not present in population databases (gnomAD no frequency). This variant has not been reported in the literature in individuals affected with GYS1-related conditions. Algorithms developed to predict the effect of missense changes on protein structure and function (SIFT, PolyPhen-2, Align-GVGD) all suggest that this variant is likely to be tolerated. In summary, the available evidence is currently insufficient to determine the role of this variant in disease. Therefore, it has been classified as a Variant of Uncertain Significance.